The following is an entry in ClinVar:

ClinVar aggregate classification (germline): Uncertain significance (1 of 4 stars; one submission).

Allele frequency attached by ClinVar (database versions not stated): gnomAD exomes below 0.00001; ExAC 0.00001.
gnomAD v4.1: 3 of 1,614,230 alleles (0.00019%); highest among the groups gnomAD compares: Non-Finnish European, 0.00025%; no homozygotes.

Submission:

Ambry Genetics
Classification: Uncertain significance. Last evaluated: 2025-11-10. Review status: criteria provided, single submitter. Criteria: Ambry Variant Classification Scheme 2023. Collection method: clinical testing. Allele origin: germline.
Comment: The p.V1192I variant (also known as c.3574G>A), located in coding exon 29 of the A2ML1 gene, results from a G to A substitution at nucleotide position 3574. The valine at codon 1192 is replaced by isoleucine, an amino acid with highly similar properties. This amino acid position is conserved. In addition, this alteration is predicted to be tolerated by in silico analysis. Since supporting evidence is limited at this time, the clinical significance of this alteration remains unclear.

NM_144670.6(A2ML1):c.3574G>A (p.Val1192Ile)

Gene: A2ML1 (alpha-2-macroglobulin like 1; plus strand). Cytogenetic location: 12p13.31.
Variant type: single nucleotide variant.
Coding change: c.3574G>A on transcript NM_144670.6 (MANE Select); coding-DNA position 3574, G replaced by A.
Protein change: p.Val1192Ile; replaces valine 1192 with isoleucine.
Molecular consequence: missense variant.
Genome position (GRCh38, 1-based): chr12:8,863,865, G>A. VCF-style: chr12-8863865-G-A. GRCh37 (hg19) VCF-style: chr12-9016461-G-A.
Other names: c.2101G>A, p.Val701Ile (NM_001282424.3); short protein forms V1192I, V701I.
Identifiers: ClinVar variation 3229205 (VCV003229205.2), dbSNP rs747252576, ClinGen allele CA6436426.
Genomic context (GRCh38, chr12:8,863,865, plus strand): 5'-TACTGGAGCCAGAAACCTACTCCATCATCGAACGCCAGCCCTTGGTCTGAGCCTGCGGCT[G>A]TAGATGTGGAACTCACAGCATATGCATTGTTGGCCCAGCTTACCAAGCCCAGCCTGACTC-3'
Protein context (NP_653271.3, residues 1182-1202): NASPWSEPAA[Val1192Ile]DVELTAYALL